The following is an entry in ClinVar:

NC_000003.12:g.169764822C>T

Genes: TERC (telomerase RNA component; minus strand), LOC110806306 (telomerase RNA component (TERC) promoter; plus strand). Cytogenetic location: 3q26.2.
Variant type: single nucleotide variant.
Genome position: GRCh38 VCF-style: chr3-169764822-C-T. GRCh37 (hg19) VCF-style: chr3-169482610-C-T.
Identifiers: ClinVar variation 851057 (VCV000851057.10), dbSNP rs1016737019, ClinGen allele CA436715314.
Genomic context (GRCh38, chr3:169,764,822, plus strand): 5'-GCGGTGGCAGTGGGTGCCTCCGGAGAAGCCCCGGGCCGACCGCGGCCTCCAGGCGGGGTT[C>T]GGGGGCTGGGCAGGCGACCCGCCGCAGGTCCCCGGGAGGGGCGAACGGGCCAGCAGCTGA-3'

ClinVar aggregate classification (germline): Uncertain significance (1 of 4 stars; one submission).

Conditions:
Dyskeratosis congenita, autosomal dominant 1 (DKCA1). Also called: Dyskeratosis congenita Scoggins type. Identifiers: Orphanet 1775, MedGen C4551974, MONDO:0007485, OMIM 127550. Inheritance: Variable.

Submission:

Labcorp Genetics (formerly Invitae), Labcorp
Classification: Uncertain significance for Dyskeratosis congenita, autosomal dominant 1. Last evaluated: 2020-08-07. Review status: criteria provided, single submitter. Criteria: Invitae Variant Classification Sherloc (09022015). Collection method: clinical testing. Allele origin: germline.
Comment: In summary, the available evidence is currently insufficient to determine the role of this variant in disease. Therefore, it has been classified as a Variant of Uncertain Significance. This variant is located within the hypervariable region that is not conserved in the TERC RNA component (PMID: 10721988, 21844345). Functional studies testing the effect of this variant on TERC secondary structure or function have not been reported. This variant has not been reported in the literature in individuals with TERC-related conditions. The frequency data for this variant in the population databases is considered unreliable, as metrics indicate insufficient coverage at this position in the ExAC database. This sequence change occurs in the TERC gene, which encodes an RNA molecule that does not result in a protein product.

Literature cited by the submitters: PubMed 10721988; PubMed 21844345.